The following is an entry in ClinVar:

ClinVar aggregate classification (germline): Likely benign. Review status: criteria provided, single submitter (1 of 4 stars). 2 submissions from 2 submitters: Likely benign (1). 1 of the submissions does not count toward it. Last evaluated 2023-07-01.

Conditions:
OLR1-related disorder. Also called: OLR1-related condition.

Allele frequency attached by ClinVar (database versions not stated): 1000 Genomes Project 30x 0.00016; 1000 Genomes Project 0.00020; ExAC 0.00041; gnomAD 0.00060; TOPMed 0.00063; ESP Exome Variant Server 0.00085; gnomAD exomes 0.00137.
gnomAD v4.1: 2,045 of 1,613,760 alleles (0.13%); highest among the groups gnomAD compares: Non-Finnish European, 0.17%; 3 homozygotes.

Submissions (2):

CeGaT Center for Human Genetics Tuebingen
Classification: Likely benign. Last evaluated: 2023-07-01. Review status: criteria provided, single submitter. Criteria: CeGaT Center For Human Genetics Tuebingen Variant Classification Criteria Version 2. Collection method: clinical testing. Allele origin: germline. Affected: yes. Observed: 1 variant allele.
Comment: OLR1: BP4, BP7

PreventionGenetics, part of Exact Sciences
Classification: Likely benign for OLR1-related condition. Last evaluated: 2019-10-28. Review status: no assertion criteria provided. Collection method: clinical testing. Allele origin: germline. Not counted in ClinVar's aggregate classification.
Comment: This variant is classified as likely benign based on ACMG/AMP sequence variant interpretation guidelines (Richards et al. 2015 PMID: 25741868, with internal and published modifications).

NM_002543.4(OLR1):c.714C>T (p.Tyr238=)

Gene: OLR1 (oxidized low density lipoprotein receptor 1; minus strand). Cytogenetic location: 12p13.2.
Variant type: single nucleotide variant.
Coding change: c.714C>T on transcript NM_002543.4 (MANE Select); coding-DNA position 714, C replaced by T.
Protein change: p.Tyr238=; no amino-acid change (tyrosine 238 retained).
Molecular consequence: synonymous variant. On other transcripts: 3 prime UTR variant (2).
Genome position (GRCh38, 1-based): chr12:10,159,988, G>A on the plus strand (C>T on the coding strand, the complement: OLR1 is on the minus strand). VCF-style: chr12-10159988-G-A. GRCh37 (hg19) VCF-style: chr12-10312587-G-A.
Other names: c.*28C>T (NM_001172632.2, NM_001172633.2); c.714C>T (NM_002543.3).
Identifiers: ClinVar variation 2642699 (VCV002642699.25), dbSNP rs146768121, ClinGen allele CA6444239.